The following is an entry in ClinVar:

NM_000071.3(CBS):c.103G>A (p.Asp35Asn)

Gene: CBS (cystathionine beta-synthase; minus strand). Cytogenetic location: 21q22.3.
Variant type: single nucleotide variant.
Coding change: c.103G>A on transcript NM_000071.3 (MANE Select); coding-DNA position 103, G replaced by A.
Protein change: p.Asp35Asn; replaces aspartic acid 35 with asparagine.
Molecular consequence: missense variant.
Genome position (GRCh38, 1-based): chr21:43,072,091, C>T on the plus strand (G>A on the coding strand, the complement: CBS is on the minus strand). VCF-style: chr21-43072091-C-T. GRCh37 (hg19) VCF-style: chr21-44492201-C-T.
Other names: c.103G>A, p.Asp35Asn (NM_001178008.3, NM_001178009.3, NM_001320298.2); short protein forms D35N.
Identifiers: ClinVar variation 2419014 (VCV002419014.6), dbSNP rs368471318, ClinGen allele CA410602444.

ClinVar aggregate classification (germline): Uncertain significance (1 of 4 stars; one submission).

Conditions:
HYPERHOMOCYSTEINEMIA, THROMBOTIC, CBS-RELATED. Identifiers: MedGen C3150344, OMIM 236200.

Submission:

Labcorp Genetics (formerly Invitae), Labcorp
Classification: Uncertain significance for HYPERHOMOCYSTEINEMIA, THROMBOTIC, CBS-RELATED. Last evaluated: 2022-06-30. Review status: criteria provided, single submitter. Criteria: Invitae Variant Classification Sherloc (09022015). Collection method: clinical testing. Allele origin: germline.
Comment: This sequence change replaces aspartic acid, which is acidic and polar, with asparagine, which is neutral and polar, at codon 35 of the CBS protein (p.Asp35Asn). In summary, the available evidence is currently insufficient to determine the role of this variant in disease. Therefore, it has been classified as a Variant of Uncertain Significance. Algorithms developed to predict the effect of missense changes on protein structure and function output the following: SIFT: "Tolerated"; PolyPhen-2: "Benign"; Align-GVGD: "Class C0". The asparagine amino acid residue is found in multiple mammalian species, which suggests that this missense change does not adversely affect protein function. This variant has not been reported in the literature in individuals affected with CBS-related conditions. This variant is present in population databases (no rsID available, gnomAD 0.0009%).